The following is an entry in ClinVar:

NC_000001.10:g.(?_196714927)_(196715149_?)dup

Gene: CFH (complement factor H; plus strand). Cytogenetic location: 1q31.3.
Variant type: Duplication.
Identifiers: ClinVar variation 3247877 (VCV003247877.1).

ClinVar aggregate classification (germline): Uncertain significance (1 of 4 stars; one submission).

Submission:

Labcorp Genetics (formerly Invitae), Labcorp
Classification: Uncertain significance. Last evaluated: 2023-10-05. Review status: criteria provided, single submitter. Criteria: Invitae Variant Classification Sherloc (09022015). Collection method: clinical testing. Allele origin: unknown.
Comment: This variant results in a copy number gain of the genomic region encompassing exon(s) 21 of the CFH gene. While the exact position of this variant cannot be determined from the data, sub-genic copy number gains are generally in tandem (PMID: 25640679). This variant is predicted to be in-frame, and likely preserves the integrity of the reading frame. This variant has not been reported in the literature in individuals affected with CFH-related conditions. Experimental studies and prediction algorithms are not available or were not evaluated, and the functional significance of this variant is currently unknown. In summary, the available evidence is currently insufficient to determine the role of this variant in disease. Therefore, it has been classified as a Variant of Uncertain Significance.

Literature cited by the submitters: PubMed 25640679.